The following is an entry in ClinVar:

NM_004380.3(CREBBP):c.3836C>G (p.Pro1279Arg)

Gene: CREBBP (CREB binding lysine acetyltransferase; minus strand). Cytogenetic location: 16p13.3.
Variant type: single nucleotide variant.
Coding change: c.3836C>G on transcript NM_004380.3 (MANE Select); coding-DNA position 3836, C replaced by G.
Protein change: p.Pro1279Arg; replaces proline 1279 with arginine.
Molecular consequence: missense variant.
Genome position (GRCh38, 1-based): chr16:3,749,627, G>C on the plus strand (C>G on the coding strand, the complement: CREBBP is on the minus strand). VCF-style: chr16-3749627-G-C. GRCh37 (hg19) VCF-style: chr16-3799628-G-C.
Other names: c.3722C>G, p.Pro1241Arg (NM_001079846.1); short protein forms P1241R, P1279R.
Identifiers: ClinVar variation 1029837 (VCV001029837.1), dbSNP rs749189606, ClinGen allele CA394567293.

ClinVar aggregate classification (germline): Uncertain significance (1 of 4 stars; one submission).

Conditions:
Rubinstein-Taybi syndrome due to CREBBP mutations (RSTS1). Also called: RUBINSTEIN SYNDROME; RUBINSTEIN-TAYBI SYNDROME 1, INCOMPLETE; Rubinstein-Taybi syndrome 1; CREBBP-Related Rubinstein-Taybi Syndrome; BROAD THUMBS AND GREAT TOES, CHARACTERISTIC FACIES, AND IMPAIRED INTELLECTUAL DEVELOPMENT; BROAD THUMB-HALLUX SYNDROME. Identifiers: Orphanet 353277, Orphanet 783, MedGen C4551859, MONDO:0008393, OMIM 180849.

Submission:

Baylor Genetics
Classification: Uncertain significance for Rubinstein-Taybi syndrome due to CREBBP mutations. Last evaluated: 2020-03-19. Review status: criteria provided, single submitter. Criteria: ACMG Guidelines, 2015. Collection method: clinical testing. Allele origin: unknown. Affected: yes.
Comment: This variant was determined to be of uncertain significance according to ACMG Guidelines, 2015 [PMID:25741868].